The following is an entry in ClinVar:

NM_001371596.2(MFSD8):c.358C>G (p.Leu120Val)

Gene: MFSD8 (major facilitator superfamily domain containing 8; minus strand). Cytogenetic location: 4q28.2.
Variant type: single nucleotide variant.
Coding change: c.358C>G on transcript NM_001371596.2 (MANE Select); coding-DNA position 358, C replaced by G.
Protein change: p.Leu120Val; replaces leucine 120 with valine.
Molecular consequence: missense variant.
Genome position (GRCh38, 1-based): chr4:127,943,833, G>C on the plus strand (C>G on the coding strand, the complement: MFSD8 is on the minus strand). VCF-style: chr4-127943833-G-C. GRCh37 (hg19) VCF-style: chr4-128864988-G-C.
Other names: c.358C>G, p.Leu120Val (NM_001363520.3, NM_001363521.3, NM_001371591.2 and 5 more transcripts); c.223C>G, p.Leu75Val (NM_001371590.2, NM_001371595.1, NM_001410765.1); short protein forms L120V, L75V.
Identifiers: ClinVar variation 2419432 (VCV002419432.5), dbSNP rs144845312, ClinGen allele CA105687003.
Genomic context (GRCh38, chr4:127,943,833, plus strand): 5'-CACGAGCAACCAGCATGTAGTATTTATTATGAGAAGCTGGGATGTGGAGATATGCATAGA[G>C]GCAGTTGGCTGCCACGGAAATCAAGATGGAGACAATAAGAGGCTCTTTTCTTGGTCTATA-3'
Protein context (NP_001358525.1, residues 110-130): SILISVAANC[Leu120Val]YAYLHIPASH

ClinVar aggregate classification (germline): Uncertain significance. Review status: criteria provided, multiple submitters, no conflicts (2 of 4 stars). 2 submissions from 2 submitters: Uncertain significance (2). Last evaluated 2025-05-14.

Conditions:
Neuronal ceroid lipofuscinosis 7 (CLN7). Also called: MFSD8-Related Neuronal Ceroid-Lipofuscinosis. Identifiers: Orphanet 168491, Orphanet 228366, MedGen C1838571, MONDO:0012588, OMIM 610951.

Allele frequency attached by ClinVar (database versions not stated): gnomAD exomes below 0.00001; gnomAD 0.00001; TOPMed 0.00002; ESP Exome Variant Server 0.00008.
gnomAD v4.1: 4 of 1,614,020 alleles (0.00025%); highest among the groups gnomAD compares: African/African-American, 0.0053%; no homozygotes.

Submissions (2):

Labcorp Genetics (formerly Invitae), Labcorp
Classification: Uncertain significance for Neuronal ceroid lipofuscinosis 7. Last evaluated: 2025-05-14. Review status: criteria provided, single submitter. Criteria: Invitae Variant Classification Sherloc (09022015). Collection method: clinical testing. Allele origin: germline.
Comment: This sequence change replaces leucine, which is neutral and non-polar, with valine, which is neutral and non-polar, at codon 120 of the MFSD8 protein (p.Leu120Val). This variant is present in population databases (rs144845312, gnomAD 0.007%). This variant has not been reported in the literature in individuals affected with MFSD8-related conditions. ClinVar contains an entry for this variant (Variation ID: 2419432). Invitae Evidence Modeling of protein sequence and biophysical properties (such as structural, functional, and spatial information, amino acid conservation, physicochemical variation, residue mobility, and thermodynamic stability) indicates that this missense variant is not expected to disrupt MFSD8 protein function with a negative predictive value of 80%. In summary, the available evidence is currently insufficient to determine the role of this variant in disease. Therefore, it has been classified as a Variant of Uncertain Significance.

Blueprint Genetics
Classification: Uncertain significance. Last evaluated: 2021-01-13. Review status: criteria provided, single submitter. Criteria: ACMG Guidelines, 2015. Collection method: clinical testing. Allele origin: germline.